The following is an entry in ClinVar:

NM_000051.4(ATM):c.8367A>G (p.Lys2789=)

Genes: ATM (ATM serine/threonine kinase; plus strand), C11orf65 (chromosome 11 open reading frame 65; minus strand). Cytogenetic location: 11q22.3.
Variant type: single nucleotide variant.
Coding change: c.8367A>G on transcript NM_000051.4 (MANE Select); coding-DNA position 8367, A replaced by G.
Protein change: p.Lys2789=; no amino-acid change (lysine 2789 retained).
Molecular consequence: synonymous variant. On other transcripts: intron variant (2).
Genome position (GRCh38, 1-based): chr11:108,343,320, A>G. VCF-style: chr11-108343320-A-G. GRCh37 (hg19) VCF-style: chr11-108214047-A-G.
Other names: c.8367A>G, p.Lys2789= (NM_001351834.2); c.641-34249T>C (NM_001330368.2); c.695-8028T>C (NM_001351110.2).
Identifiers: ClinVar variation 1128302 (VCV001128302.10), dbSNP rs1393366622, ClinGen allele CA476672704.

ClinVar aggregate classification (germline): Benign/Likely benign. Review status: criteria provided, multiple submitters, no conflicts (2 of 4 stars). 3 submissions from 3 submitters: Benign (1); Likely benign (2). Last evaluated 2025-09-28.

Conditions:
Hereditary cancer-predisposing syndrome. Also called: Neoplastic Syndromes, Hereditary; Tumor predisposition; Hereditary Cancer Syndrome; Hereditary neoplastic syndrome. Identifiers: Orphanet 140162, MedGen C0027672, MeSH D009386, MONDO:0015356.
Familial cancer of breast. Also called: Hereditary breast cancer; hereditary breast carcinoma; BREAST CANCER, FAMILIAL. Identifiers: Orphanet 227535, MedGen C0346153, MONDO:0016419, OMIM 114480. Disease mechanism: loss of function.
Ataxia-telangiectasia syndrome (AT). Also called: Ataxia telangiectasia (A-T); ATAXIA-TELANGIECTASIA, COMPLEMENTATION GROUP A; ATAXIA-TELANGIECTASIA, FRESNO VARIANT; Ataxia-telangiectasia; Ataxia-telangiectasia, complementation group E; LOUIS-BAR SYNDROME. Identifiers: Orphanet 100, MedGen C0004135, MONDO:0008840, OMIM 208900.

Submissions (3):

Labcorp Genetics (formerly Invitae), Labcorp
Classification: Likely benign for Ataxia-telangiectasia syndrome. Last evaluated: 2025-09-28. Review status: criteria provided, single submitter. Criteria: Invitae Variant Classification Sherloc (09022015). Collection method: clinical testing. Allele origin: germline.

Ambry Genetics
Classification: Likely benign for Hereditary cancer-predisposing syndrome. Last evaluated: 2025-09-27. Review status: criteria provided, single submitter. Criteria: Ambry Variant Classification Scheme 2023. Collection method: clinical testing. Allele origin: germline.

Myriad Genetics, Inc.
Classification: Benign for Familial cancer of breast. Last evaluated: 2024-06-19. Review status: criteria provided, single submitter. Criteria: Myriad Autosomal Dominant, Autosomal Recessive and X-Linked Classification Criteria (2023). Collection method: clinical testing. Allele origin: unknown.
Comment: This variant is considered benign. This variant is a silent/synonymous amino acid change and it is not expected to impact splicing.